The following is an entry in ClinVar:

NM_001370658.1(BTD):c.-17_-17+3del

Gene: BTD (biotinidase; plus strand). Cytogenetic location: 3p25.1.
Variant type: Deletion.
Coding change: c.-17_-17+3del on transcript NM_001370658.1 (MANE Select); 17 bases upstream of the start codon through 3 bases into the intron after 17 bases upstream of the start codon, 4 bases deleted (GGTA; older notation c.-17_-17+3delGGTA).
Molecular consequence: splice donor variant. On other transcripts: intron variant (4).
Genome position (GRCh38, 1-based): chr3:15,601,894-15,601,897, GGTA deleted; deleting any 4 consecutive bases within chr3:15,601,893-15,601,897 gives the same sequence; the c. name uses the placement nearest the transcript's 3' end. VCF-style (leftmost placement, unchanged base first): chr3-15601892-CAGGT-C. GRCh37 (hg19) VCF-style: chr3-15643399-CAGGT-C.
Other names: c.-17_-17+3delGGTA (NM_001370658.1); c.-17+247_-17+250del (NM_001407365.1); c.-17_-17+3del (NM_001370752.1, NM_001370753.1, NM_001407400.1 and 3 more transcripts); c.-582_-582+3del (NM_001407366.1); c.-568_-568+3del (NM_001407369.1); c.-191_-191+3del (NM_001407374.1, NM_001407390.1); c.-174_-174+3del (NM_001407372.1); c.-205_-205+3del (NM_001281724.3); and 7 more.
Identifiers: ClinVar variation 552129 (VCV000552129.4), dbSNP rs1050514843, ClinGen allele CA70635904.

ClinVar aggregate classification (germline): Likely pathogenic. Review status: criteria provided, single submitter (1 of 4 stars). 2 submissions from 2 submitters: Likely pathogenic (1). 1 of the submissions does not count toward it. Last evaluated 2022-02-09.

Conditions:
Biotinidase deficiency. Also called: BTD deficiency; Late-onset biotin-responsive multiple carboxylase deficiency; Biotin deficiency. Identifiers: Orphanet 79241, MedGen C0220754, MONDO:0009665, OMIM 253260.

Submissions (2):

Women's Health and Genetics/Laboratory Corporation of America, LabCorp
Classification: Likely pathogenic for Biotinidase deficiency. Last evaluated: 2022-02-09. Review status: criteria provided, single submitter. Criteria: LabCorp Variant Classification Summary - May 2015. Collection method: clinical testing. Allele origin: germline.
Comment: Variant summary: BTD c.-17_-17+3delGGTA is located at the splice-site region in the non-coding exon 1, upstream of the initiation codon, and is predicted to abolish the canonical 5' splice donor site (Alamut). These predictions have yet to be confirmed by functional studies. The variant was absent in 249988 control chromosomes (gnomAD). To our knowledge, no occurrence of c.-17_-17+3delGGTA in individuals affected with Biotinidase Deficiency and no experimental evidence demonstrating its impact on protein function have been reported. While exon 1 is absent in most tissues in the GTEx database, and is a non-coding exon in the transcript utalized for this classification, there is evidence that exon 1 remains an important region of the gene. Another variant which impacts the same splice-site, c.-17+1G>A, has been reported a patient with partial Biotinidase Deficiency (Murry_2018) and is reported via ClinVar as likely pathogenic. Additionally, a 107-kb contiguous deletion of three genes in homozygosity, including exon 1 of the BTD gene, has been reported in a child whose symptoms were apparently solely attributable to the BTD gene and improved with biotin supplementation (Senanayake_2015). The authors of this study concluded that deletion of exon 1 results in the inability to synthesize the active enzyme product, as exon 1 contains the initiation site and leader signal sequence of the enzyme, supporting a critical role for this exon, with the caveat that a deletion of the region may have a different impact than a variant affecting splicing (Senanayake et al. 2015). One clinical diagnostic laboratory has submitted clinical-significance assessments for this variant to ClinVar after 2014 and classified the variant as likely pathogenic. Based on the evidence outlined above, the variant was classified as likely pathogenic.

Counsyl
Classification: Likely pathogenic for Biotinidase deficiency. Last evaluated: 2017-05-23. Review status: no assertion criteria provided. Collection method: clinical testing. Allele origin: unknown. Not counted in ClinVar's aggregate classification.